The following is an entry in ClinVar:

ClinVar aggregate classification (germline): Uncertain significance. Review status: criteria provided, multiple submitters, no conflicts (2 of 4 stars). 2 submissions from 2 submitters: Uncertain significance (2). Last evaluated 2025-11-24.

Conditions:
Hereditary cancer-predisposing syndrome. Also called: Hereditary neoplastic syndrome; Neoplastic Syndromes, Hereditary; Tumor predisposition; Hereditary Cancer Syndrome. Identifiers: Orphanet 140162, MedGen C0027672, MeSH D009386, MONDO:0015356.
Hereditary pheochromocytoma and paraganglioma. Also called: Hereditary Paraganglioma-Pheochromocytoma Syndromes; Hereditary pheochromocytoma-paraganglioma; Hereditary paragangliomas and pheochromocytomas. Identifiers: Orphanet 29072, MedGen C4274332, MONDO:0017366.

Allele frequency attached by ClinVar (database versions not stated): gnomAD exomes below 0.00001.

Submissions (2):

Ambry Genetics
Classification: Uncertain significance for Hereditary cancer-predisposing syndrome. Last evaluated: 2025-11-24. Review status: criteria provided, single submitter. Criteria: Ambry Variant Classification Scheme 2023. Collection method: clinical testing. Allele origin: germline.
Comment: The p.F101S variant (also known as c.302T>C), located in coding exon 2 of the TMEM127 gene, results from a T to C substitution at nucleotide position 302. The phenylalanine at codon 101 is replaced by serine, an amino acid with highly dissimilar properties. This amino acid position is conserved. In addition, this alteration is predicted to be deleterious by in silico analysis. Based on the available evidence, the clinical significance of this variant remains unclear.

Labcorp Genetics (formerly Invitae), Labcorp
Classification: Uncertain significance for Hereditary pheochromocytoma and paraganglioma. Last evaluated: 2023-02-22. Review status: criteria provided, single submitter. Criteria: Invitae Variant Classification Sherloc (09022015). Collection method: clinical testing. Allele origin: germline.
Comment: In summary, the available evidence is currently insufficient to determine the role of this variant in disease. Therefore, it has been classified as a Variant of Uncertain Significance. An algorithm developed to predict the effect of missense changes on protein structure and function (PolyPhen-2) suggests that this variant is likely to be disruptive. This variant has not been reported in the literature in individuals affected with TMEM127-related conditions. This variant is not present in population databases (gnomAD no frequency). This sequence change replaces phenylalanine, which is neutral and non-polar, with serine, which is neutral and polar, at codon 101 of the TMEM127 protein (p.Phe101Ser).

NM_017849.4(TMEM127):c.302T>C (p.Phe101Ser)

Gene: TMEM127 (transmembrane protein 127; minus strand). Cytogenetic location: 2q11.2.
Variant type: single nucleotide variant.
Coding change: c.302T>C on transcript NM_017849.4 (MANE Select); coding-DNA position 302, T replaced by C.
Protein change: p.Phe101Ser; replaces phenylalanine 101 with serine.
Molecular consequence: missense variant.
Genome position (GRCh38, 1-based): chr2:96,254,940, A>G on the plus strand (T>C on the coding strand, the complement: TMEM127 is on the minus strand). VCF-style: chr2-96254940-A-G. GRCh37 (hg19) VCF-style: chr2-96920678-A-G.
Other names: c.302T>C, p.Phe101Ser (NM_001193304.3); c.50T>C, p.Phe17Ser (NM_001407282.1, NM_001407283.1); short protein forms F101S, F17S.
Identifiers: ClinVar variation 2740622 (VCV002740622.4), dbSNP rs2467266515, ClinGen allele CA347653521.